The following is an entry in ClinVar:

ClinVar aggregate classification (germline): Uncertain significance. Review status: criteria provided, multiple submitters, no conflicts (2 of 4 stars). 2 submissions from 2 submitters: Uncertain significance (2). Last evaluated 2025-03-06.

Conditions:
Neuropathy, hereditary sensory and autonomic, type 2A (HSAN2A). Also called: MORVAN DISEASE; NEUROPATHY, CONGENITAL SENSORY; NEUROPATHY, HEREDITARY SENSORY RADICULAR, AUTOSOMAL RECESSIVE; NEUROPATHY, HEREDITARY SENSORY, TYPE IIA; NEUROPATHY, PROGRESSIVE SENSORY, OF CHILDREN; ACROOSTEOLYSIS, GIACCAI TYPE. Identifiers: Orphanet 970, MedGen C2752089, MONDO:0024309, OMIM 201300.
Pseudohypoaldosteronism type 2C (PHA2C). Also called: Pseudohypoaldosteronism Type IIC. Identifiers: Orphanet 757, Orphanet 88940, MedGen C1840391, MONDO:0013778, OMIM 614492.
Inborn genetic diseases. Identifiers: MedGen C0950123, MeSH D030342.

Allele frequency attached by ClinVar (database versions not stated): gnomAD exomes 0.00001; TOPMed 0.00001; gnomAD 0.00003.

Submissions (2):

Labcorp Genetics (formerly Invitae), Labcorp
Classification: Uncertain significance for Neuropathy, hereditary sensory and autonomic, type 2A; Pseudohypoaldosteronism type 2C. Last evaluated: 2025-03-06. Review status: criteria provided, single submitter. Criteria: Invitae Variant Classification Sherloc (09022015). Collection method: clinical testing. Allele origin: germline.
Comment: This sequence change replaces alanine, which is neutral and non-polar, with threonine, which is neutral and polar, at codon 2269 of the WNK1 protein (p.Ala2269Thr). This variant is present in population databases (rs543902824, gnomAD 0.007%). This variant has not been reported in the literature in individuals affected with WNK1-related conditions. ClinVar contains an entry for this variant (Variation ID: 1755540). Invitae Evidence Modeling of protein sequence and biophysical properties (such as structural, functional, and spatial information, amino acid conservation, physicochemical variation, residue mobility, and thermodynamic stability) indicates that this missense variant is not expected to disrupt WNK1 protein function with a negative predictive value of 95%. In summary, the available evidence is currently insufficient to determine the role of this variant in disease. Therefore, it has been classified as a Variant of Uncertain Significance.

Ambry Genetics
Classification: Uncertain significance for Inborn genetic diseases. Last evaluated: 2022-03-11. Review status: criteria provided, single submitter. Criteria: Ambry Variant Classification Scheme 2023. Collection method: clinical testing. Allele origin: germline.
Comment: The p.A2269T variant (also known as c.6805G>A), located in coding exon 24 of the WNK1 gene, results from a G to A substitution at nucleotide position 6805. The alanine at codon 2269 is replaced by threonine, an amino acid with similar properties. This amino acid position is highly conserved in available vertebrate species. In addition, the in silico prediction for this alteration is inconclusive. Since supporting evidence is limited at this time, the clinical significance of this alteration remains unclear.

NM_018979.4(WNK1):c.6049G>A (p.Ala2017Thr)

Gene: WNK1 (WNK lysine deficient protein kinase 1; plus strand). Cytogenetic location: 12p13.33.
Variant type: single nucleotide variant.
Coding change: c.6049G>A on transcript NM_018979.4 (MANE Select); coding-DNA position 6049, G replaced by A.
Protein change: p.Ala2017Thr; replaces alanine 2017 with threonine.
Molecular consequence: missense variant.
Genome position (GRCh38, 1-based): chr12:896,536, G>A. VCF-style: chr12-896536-G-A. GRCh37 (hg19) VCF-style: chr12-1005702-G-A.
Other names: c.6829G>A, p.Ala2277Thr (NM_001184985.2); c.5305G>A, p.Ala1769Thr (NM_014823.3); c.6805G>A, p.Ala2269Thr (NM_213655.5); short protein forms A2017T, A1769T, A2277T, A2269T.
Identifiers: ClinVar variation 1755540 (VCV001755540.7), dbSNP rs543902824, ClinGen allele CA231486709.